The following is an entry in ClinVar:

ClinVar aggregate classification (germline): Conflicting classifications of pathogenicity. Review status: criteria provided, conflicting classifications (1 of 4 stars). 4 submissions from 4 submitters: Pathogenic (1); Likely pathogenic (2); Uncertain significance (1). Last evaluated 2026-09-10.

Conditions:
DNAJB6-related disorder. Also called: DNAJB6-related condition.
Autosomal dominant limb-girdle muscular dystrophy type 1D (DNAJB6) (LGMDD1). Also called: MUSCULAR DYSTROPHY, AUTOSOMAL DOMINANT, WITH RIMMED VACUOLES; MUSCULAR DYSTROPHY, LIMB-GIRDLE, TYPE 1D; Autosomal dominant limb-girdle muscular dystrophy type 1D; Muscular dystrophy, limb-girdle, autosomal dominant 1. Identifiers: Orphanet 34516, MedGen C4721885, MONDO:0021018, OMIM 603511.

Allele frequency attached by ClinVar (database versions not stated): gnomAD exomes below 0.00001; ExAC 0.00001.

Submissions (4):

PreventionGenetics, part of Exact Sciences
Classification: Likely pathogenic for DNAJB6-related condition. Last evaluated: 2026-09-10. Review status: criteria provided, single submitter. Criteria: ACMG Guidelines, 2015. Collection method: clinical testing. Allele origin: germline.
Comment: The DNAJB6 c.149C>T variant is predicted to result in the amino acid substitution p.Ala50Val. This variant has been reported in six individuals from four different families with features of a late-onset, distal myopathy and functional studies indicate this variant impacts protein function (Palmio et al. 2020. PubMed ID: 31955980). This variant is reported in 0.0034% of alleles in individuals of South Asian descent in gnomAD. This variant is interpreted as likely pathogenic.

Labcorp Genetics (formerly Invitae), Labcorp
Classification: Likely pathogenic for Autosomal dominant limb-girdle muscular dystrophy type 1D (DNAJB6). Last evaluated: 2026-01-25. Review status: criteria provided, single submitter. Criteria: Invitae Variant Classification Sherloc (09022015). Collection method: clinical testing. Allele origin: germline.
Comment: This sequence change replaces alanine, which is neutral and non-polar, with valine, which is neutral and non-polar, at codon 50 of the DNAJB6 protein (p.Ala50Val). The frequency data for this variant in the population databases is considered unreliable, as metrics indicate poor data quality at this position in the gnomAD database. This missense change has been observed in individuals with adult onset distal myopathy (PMID: 31955980). ClinVar contains an entry for this variant (Variation ID: 500303). Invitae Evidence Modeling of protein sequence and biophysical properties (such as structural, functional, and spatial information, amino acid conservation, physicochemical variation, residue mobility, and thermodynamic stability) indicates that this missense variant is expected to disrupt DNAJB6 protein function with a positive predictive value of 80%. Experimental studies have shown that this missense change affects DNAJB6 function (PMID: 31955980). In summary, the currently available evidence indicates that the variant is pathogenic, but additional data are needed to prove that conclusively. Therefore, this variant has been classified as Likely Pathogenic.

Revvity Omics, Revvity
Classification: Pathogenic for Autosomal dominant limb-girdle muscular dystrophy type 1D (DNAJB6). Last evaluated: 2022-11-30. Review status: criteria provided, single submitter. Criteria: ACMG Guidelines, 2015. Collection method: clinical testing. Allele origin: germline.

Eurofins Ntd Llc (ga)
Classification: Uncertain significance. Last evaluated: 2017-02-03. Review status: criteria provided, single submitter. Criteria: EGL Classification Definitions 2015. Collection method: clinical testing. Allele origin: germline. Observed: 1 variant allele, 1 heterozygote.

Literature cited by the submitters: PubMed 31955980 (cited by Labcorp Genetics (formerly Invitae), Labcorp).

NM_058246.4(DNAJB6):c.149C>T (p.Ala50Val)

Gene: DNAJB6 (DnaJ heat shock protein family (Hsp40) member B6; plus strand). Cytogenetic location: 7q36.3.
Variant type: single nucleotide variant.
Coding change: c.149C>T on transcript NM_058246.4 (MANE Select); coding-DNA position 149, C replaced by T.
Protein change: p.Ala50Val; replaces alanine 50 with valine.
Molecular consequence: missense variant.
Genome position (GRCh38, 1-based): chr7:157,363,244, C>T. VCF-style: chr7-157363244-C-T. GRCh37 (hg19) VCF-style: chr7-157155938-C-T.
Other names: c.149C>T, p.Ala50Val (NM_001363676.1, NM_005494.3); short protein forms A50V.
Identifiers: ClinVar variation 500303 (VCV000500303.18), dbSNP rs575604496, ClinGen allele CA4590362.